The following is an entry in ClinVar:

ClinVar aggregate classification (germline): Likely pathogenic (1 of 4 stars; one submission).

Conditions:
Spondyloepiphyseal dysplasia, Stanescu type. Also called: SED, STANESCU TYPE; SPONDYLOEPIMETAPHYSEAL DYSPLASIA, STANESCU TYPE. Identifiers: Orphanet 459051, MedGen C4225273, MONDO:0014701, OMIM 616583.
Vitreoretinopathy with phalangeal epiphyseal dysplasia (VPED). Identifiers: MedGen C1852989, MONDO:0031001, OMIM 619248.
Stickler syndrome, type I, nonsyndromic ocular. Also called: STICKLER SYNDROME, TYPE I, PREDOMINANTLY OCULAR; STICKLER SYNDROME, ATYPICAL. Identifiers: MedGen C1836080, MONDO:0012287, OMIM 609508.
Spondyloepiphyseal dysplasia congenita (SEDC). Also called: SED CONGENITA; SPONDYLOEPIPHYSEAL DYSPLASIA, CONGENITAL TYPE. Identifiers: Orphanet 94068, MedGen C2745959, MONDO:0008471, OMIM 183900.
Multiple epiphyseal dysplasia, Beighton type. Identifiers: Orphanet 166011, MedGen C1851536, MONDO:0007562, OMIM 132450.
Spondyloepiphyseal dysplasia with metatarsal shortening. Also called: CZECH DYSPLASIA, METATARSAL TYPE; SPONDYLOEPIPHYSEAL DYSPLASIA WITH PRECOCIOUS OSTEOARTHRITIS; Pseudorheumatoid dysplasia progressive, with hypoplastic toes. Identifiers: Orphanet 137678, MedGen C1836683, MONDO:0012206, OMIM 609162.
Platyspondylic dysplasia, Torrance type (PLSDT). Identifiers: Orphanet 85166, MedGen C1835437, MONDO:0007895, OMIM 151210.
Spondyloperipheral dysplasia. Also called: SPONDYLOPERIPHERAL DYSPLASIA WITH SHORT ULNA; Spondyloperipheral dysplasia-short ulna syndrome. Identifiers: Orphanet 1856, MedGen C0796173, MONDO:0010078, OMIM 271700.
Stickler syndrome type 1 (STL1). Also called: ARTHROOPHTHALMOPATHY, HEREDITARY PROGRESSIVE; STICKLER SYNDROME, MEMBRANOUS VITREOUS TYPE; STICKLER SYNDROME, VITREOUS TYPE 1; COL2A1-Related Stickler Syndrome. Identifiers: Orphanet 828, Orphanet 90653, MedGen C2020284, MONDO:0007160, OMIM 108300.
Namaqualand hip dysplasia (OSCDP). Also called: Mild spondyloepiphyseal dysplasia due to COL2A1 mutation with early-onset osteoarthritis. Identifiers: Orphanet 93279, MedGen C0432214, MONDO:0011496, OMIM 604864.
Avascular necrosis of femoral head, primary, 1 (ANFH1). Also called: Avascular necrosis of femoral head, primary. Identifiers: Orphanet 86820, MedGen C4551562, MONDO:0054550, OMIM 608805.
Spondyloepimetaphyseal dysplasia, Strudwick type (SEMDSTWK). Also called: DAPPLED METAPHYSIS SYNDROME; STRUDWICK SYNDROME. Identifiers: Orphanet 93346, MedGen C0700635, MONDO:0008476, OMIM 184250.
Kniest dysplasia. Identifiers: Orphanet 485, MedGen C0265279, MONDO:0007987, OMIM 156550.
Legg-Calve-Perthes disease. Also called: Osteochondritis deformans; Coxa plana; PERTHES DISEASE; Avascular necrosis of the capital femoral epiphysis. Identifiers: Orphanet 2380, MedGen C1442965, MONDO:0007885, OMIM 150600, HP:0005743.
Achondrogenesis type II (ACG2). Also called: ACHONDROGENESIS, LANGER-SALDINO TYPE; CHONDROGENESIS IMPERFECTA. Identifiers: Orphanet 932, Orphanet 93296, MedGen C0220685, MONDO:0008702, OMIM 200610.

Submission:

Juno Genomics, Hangzhou Juno Genomics, Inc
Classification: Likely pathogenic for Multiple epiphyseal dysplasia, Beighton type; Vitreoretinopathy with phalangeal epiphyseal dysplasia; Achondrogenesis type II; Avascular necrosis of femoral head, primary, 1; Spondyloepiphyseal dysplasia with metatarsal shortening; Kniest dysplasia; Legg-Calve-Perthes disease; Namaqualand hip dysplasia; Platyspondylic dysplasia, Torrance type; Spondyloepiphyseal dysplasia congenita; Spondyloepimetaphyseal dysplasia, Strudwick type; Spondyloepiphyseal dysplasia, Stanescu type; Spondyloperipheral dysplasia; Stickler syndrome type 1; Stickler syndrome, type I, nonsyndromic ocular. Review status: criteria provided, single submitter. Criteria: ACMG Guidelines, 2015. Collection method: clinical testing. Allele origin: germline.
Comment: Absent from controls (or at extremely low frequency if recessive) in Genome Aggregation Database.;Multiple lines of computational evidence support a deleterious effect on the gene or gene product.;Missense variant in a gene that has a low rate of benign missense variation.;Co-segregation with disease in multiple affected family members.

NM_001844.5(COL2A1):c.1852G>A (p.Gly618Ser)

Gene: COL2A1 (collagen type II alpha 1 chain; minus strand). Cytogenetic location: 12q13.11.
Variant type: single nucleotide variant.
Coding change: c.1852G>A on transcript NM_001844.5 (MANE Select); coding-DNA position 1852, G replaced by A.
Protein change: p.Gly618Ser; replaces glycine 618 with serine.
Molecular consequence: missense variant.
Genome position (GRCh38, 1-based): chr12:47,984,581, C>T on the plus strand (G>A on the coding strand, the complement: COL2A1 is on the minus strand). VCF-style: chr12-47984581-C-T. GRCh37 (hg19) VCF-style: chr12-48378364-C-T.
Other names: c.1645G>A, p.Gly549Ser (NM_033150.3); short protein forms G618S, G549S.
Identifiers: ClinVar variation 5005105 (VCV005005105.2).
Genomic context (GRCh38, chr12:47,984,581, plus strand): 5'-ATGGGCAGCGGGGAAGGATACTTACCCTCAGACCAGGAGCACCAGGCAGTCCCTTCTCAC[C>T]AGCTTTGCCAGGCTCACCCTGAAGGAAAGAGAGGGCAGGGCCATGAGGCGGATGGTTTGG-3'
Protein context (NP_001835.3, residues 608-628): KGANGEPGKA[Gly618Ser]EKGLPGAPGL